The following is an entry in ClinVar:

NM_000501.4(ELN):c.1747+105T>C

Genes: ELN (elastin; plus strand), ELN-AS1 (ELN antisense RNA 1; minus strand). Cytogenetic location: 7q11.23.
Variant type: single nucleotide variant.
Coding change: c.1747+105T>C on transcript NM_000501.4 (MANE Select); 105 bases into the intron after coding-DNA position 1747, T replaced by C.
Molecular consequence: intron variant.
Genome position (GRCh38, 1-based): chr7:74,060,606, T>C. VCF-style: chr7-74060606-T-C. GRCh37 (hg19) VCF-style: chr7-73474936-T-C.
Other names: c.1690+105T>C (NM_001081755.3); c.1603+105T>C (NM_001278916.2); c.1504+105T>C (NM_001278913.2); c.1675+105T>C (NM_001278914.2); c.1717+105T>C (NM_001278917.2); c.1660+105T>C (NM_001081752.3); c.1480+105T>C (NM_001278918.2); c.1762+105T>C (NM_001081754.3); and 4 more.
Identifiers: ClinVar variation 1426684 (VCV001426684.7), dbSNP rs536262259, ClinGen allele CA575335718.

ClinVar aggregate classification (germline): Uncertain significance. Review status: criteria provided, multiple submitters, no conflicts (2 of 4 stars). 2 submissions from 2 submitters: Uncertain significance (2). Last evaluated 2025-12-15.

Conditions:
Supravalvar aortic stenosis (SVAS). Also called: Supravalvar aortic stenosis, Eisenberg type. Identifiers: Orphanet 3193, MedGen C0003499, MONDO:0008504, OMIM 185500, HP:0004381.

gnomAD v4.1: 35 of 1,585,320 alleles (0.0022%); highest among the groups gnomAD compares: Middle Eastern, 0.066%; no homozygotes.

Submissions (2):

Labcorp Genetics (formerly Invitae), Labcorp
Classification: Uncertain significance for Supravalvar aortic stenosis. Last evaluated: 2025-12-15. Review status: criteria provided, single submitter. Criteria: Invitae Variant Classification Sherloc (09022015). Collection method: clinical testing. Allele origin: germline.
Comment: This sequence change falls in intron 26 of the ELN gene. It does not directly change the encoded amino acid sequence of the ELN protein. It affects a nucleotide within the consensus splice site. This variant is present in population databases (no rsID available, gnomAD 0.03%). This variant has not been reported in the literature in individuals affected with ELN-related conditions. ClinVar contains an entry for this variant (Variation ID: 1426684). Variants that disrupt the consensus splice site are a relatively common cause of aberrant splicing (PMID: 17576681, 9536098). Algorithms developed to predict the effect of sequence changes on RNA splicing suggest that this variant is not likely to affect RNA splicing. In summary, the available evidence is currently insufficient to determine the role of this variant in disease. Therefore, it has been classified as a Variant of Uncertain Significance.

Breakthrough Genomics
Classification: Uncertain significance. Review status: criteria provided, single submitter. Criteria: ACMG Guidelines, 2015. Collection method: not provided. Allele origin: germline. Inheritance: Autosomal dominant inheritance. Affected: yes.

Literature cited by the submitters: PubMed 17576681 (cited by Labcorp Genetics (formerly Invitae), Labcorp); PubMed 9536098 (cited by Labcorp Genetics (formerly Invitae), Labcorp).